The following is an entry in ClinVar:

NM_001031725.6(DDX59):c.802G>A (p.Glu268Lys)

Gene: DDX59 (DEAD-box helicase 59; minus strand). Cytogenetic location: 1q32.1.
Variant type: single nucleotide variant.
Coding change: c.802G>A on transcript NM_001031725.6 (MANE Select); coding-DNA position 802, G replaced by A.
Protein change: p.Glu268Lys; replaces glutamic acid 268 with lysine.
Molecular consequence: missense variant.
Genome position (GRCh38, 1-based): chr1:200,665,939, C>T on the plus strand (G>A on the coding strand, the complement: DDX59 is on the minus strand). VCF-style: chr1-200665939-C-T. GRCh37 (hg19) VCF-style: chr1-200635067-C-T.
Other names: c.802G>A, p.Glu268Lys (NM_001320181.2, NM_001320182.1, NM_001349799.3 and 5 more transcripts); short protein forms E268K.
Identifiers: ClinVar variation 1491587 (VCV001491587.25), dbSNP rs143810968, ClinGen allele CA1318436.

ClinVar aggregate classification (germline): Conflicting classifications of pathogenicity. Review status: criteria provided, conflicting classifications (1 of 4 stars). 3 submissions from 3 submitters: Uncertain significance (2); Likely benign (1). Last evaluated 2024-06-17.

Allele frequency attached by ClinVar (database versions not stated): gnomAD 0.00012 and 0.00014; ExAC 0.00021; TOPMed 0.00021; gnomAD exomes 0.00023; ESP Exome Variant Server 0.00031.
gnomAD v4.1: 189 of 1,598,394 alleles (0.012%); highest among the groups gnomAD compares: Middle Eastern, 0.4%; no homozygotes.

Submissions (3):

Labcorp Genetics (formerly Invitae), Labcorp
Classification: Uncertain significance. Last evaluated: 2024-06-17. Review status: criteria provided, single submitter. Criteria: Invitae Variant Classification Sherloc (09022015). Collection method: clinical testing. Allele origin: germline.
Comment: This sequence change replaces glutamic acid, which is acidic and polar, with lysine, which is basic and polar, at codon 268 of the DDX59 protein (p.Glu268Lys). This variant is present in population databases (rs143810968, gnomAD 0.1%). This variant has not been reported in the literature in individuals affected with DDX59-related conditions. ClinVar contains an entry for this variant (Variation ID: 1491587). Algorithms developed to predict the effect of missense changes on protein structure and function output the following: SIFT: "Not Available"; PolyPhen-2: "Benign"; Align-GVGD: "Not Available". The lysine amino acid residue is found in multiple mammalian species, which suggests that this missense change does not adversely affect protein function. In summary, the available evidence is currently insufficient to determine the role of this variant in disease. Therefore, it has been classified as a Variant of Uncertain Significance.

CeGaT Center for Human Genetics Tuebingen
Classification: Likely benign. Last evaluated: 2024-04-01. Review status: criteria provided, single submitter. Criteria: CeGaT Center For Human Genetics Tuebingen Variant Classification Criteria Version 2. Collection method: clinical testing. Allele origin: germline. Affected: yes. Observed: 1 variant allele.
Comment: DDX59: BP4

Breakthrough Genomics
Classification: Uncertain significance. Review status: criteria provided, single submitter. Criteria: ACMG Guidelines, 2015. Collection method: not provided. Allele origin: germline. Inheritance: Autosomal recessive inheritance. Affected: yes.